The following is an entry in ClinVar:

NM_006662.3(SRCAP):c.4471C>T (p.Pro1491Ser)

Gene: SRCAP (Snf2 related CREBBP activator protein; plus strand). Cytogenetic location: 16p11.2.
Variant type: single nucleotide variant.
Coding change: c.4471C>T on transcript NM_006662.3 (MANE Select); coding-DNA position 4471, C replaced by T.
Protein change: p.Pro1491Ser; replaces proline 1491 with serine.
Molecular consequence: missense variant.
Genome position (GRCh38, 1-based): chr16:30,723,895, C>T. VCF-style: chr16-30723895-C-T. GRCh37 (hg19) VCF-style: chr16-30735216-C-T.
Other names: short protein forms P1491S.
Identifiers: ClinVar variation 1397019 (VCV001397019.9), dbSNP rs780593546, ClinGen allele CA8011752.
Genomic context (GRCh38, chr16:30,723,895, plus strand): 5'-GCTCTGTTGACCAGTGTGACTCCACCATTGGCACCTGTTGTCCCAGCGGCTCCTGGACCT[C>T]CCTCCTTGGCACCATCTGGTGCTTCCCCGTCAGCATCAGCCTTGACTCTAGGTTTGGCCA-3'
Protein context (NP_006653.2, residues 1481-1501): APVVPAAPGP[Pro1491Ser]SLAPSGASPS

ClinVar aggregate classification (germline): Uncertain significance. Review status: criteria provided, multiple submitters, no conflicts (2 of 4 stars). 2 submissions from 2 submitters: Uncertain significance (2). Last evaluated 2022-04-22.

Conditions:
Developmental delay, hypotonia, musculoskeletal defects, and behavioral abnormalities. Identifiers: MedGen C5562012, MONDO:0859202, OMIM 619595.
Floating-Harbor syndrome (FLHS). Also called: Short stature with delayed bone age, expressive language delay, a triangular face with a prominent nose and deep-set eyes; Pelletier-Leisti syndrome; SRCAP-Related Floating-Harbor Syndrome. Identifiers: Orphanet 2044, MedGen C0729582, MONDO:0007621, OMIM 136140.

Allele frequency attached by ClinVar (database versions not stated): gnomAD exomes below 0.00001; TOPMed below 0.00001; ExAC 0.00001.
gnomAD v4.1: 3 of 1,614,110 alleles (0.00019%); highest among the groups gnomAD compares: Admixed American, 0.0017%; no homozygotes.

Submissions (2):

Fulgent Genetics
Classification: Uncertain significance for Floating-Harbor syndrome; Developmental delay, hypotonia, musculoskeletal defects, and behavioral abnormalities. Last evaluated: 2022-04-22. Review status: criteria provided, single submitter. Criteria: ACMG Guidelines, 2015. Collection method: clinical testing. Allele origin: unknown.

Labcorp Genetics (formerly Invitae), Labcorp
Classification: Uncertain significance. Last evaluated: 2020-12-12. Review status: criteria provided, single submitter. Criteria: Invitae Variant Classification Sherloc (09022015). Collection method: clinical testing. Allele origin: germline.
Comment: In summary, the available evidence is currently insufficient to determine the role of this variant in disease. Therefore, it has been classified as a Variant of Uncertain Significance. Algorithms developed to predict the effect of missense changes on protein structure and function output the following: SIFT: "Deleterious"; PolyPhen-2: "Possibly Damaging"; Align-GVGD: "Class C25". The serine amino acid residue is found in multiple mammalian species, suggesting that this missense change does not adversely affect protein function. These predictions have not been confirmed by published functional studies and their clinical significance is uncertain. This variant has not been reported in the literature in individuals with SRCAP-related conditions. This variant is present in population databases (rs780593546, ExAC 0.009%). This sequence change replaces proline with serine at codon 1491 of the SRCAP protein (p.Pro1491Ser). The proline residue is highly conserved and there is a moderate physicochemical difference between proline and serine.